The following is an entry in ClinVar:

ClinVar aggregate classification (germline): Uncertain significance. Review status: criteria provided, multiple submitters, no conflicts (2 of 4 stars). 2 submissions from 2 submitters: Uncertain significance (2). Last evaluated 2025-02-20.

Conditions:
Inborn genetic diseases. Identifiers: MedGen C0950123, MeSH D030342.

gnomAD v4.1: 3 of 1,613,880 alleles (0.00019%); highest among the groups gnomAD compares: East Asian, 0.0045%; no homozygotes.

Submissions (2):

Labcorp Genetics (formerly Invitae), Labcorp
Classification: Uncertain significance. Last evaluated: 2025-02-20. Review status: criteria provided, single submitter. Criteria: Invitae Variant Classification Sherloc (09022015). Collection method: clinical testing. Allele origin: germline.
Comment: This sequence change replaces isoleucine, which is neutral and non-polar, with methionine, which is neutral and non-polar, at codon 2439 of the KMT2B protein (p.Ile2439Met). This variant is present in population databases (no rsID available, gnomAD 0.0009%). This variant has not been reported in the literature in individuals affected with KMT2B-related conditions. ClinVar contains an entry for this variant (Variation ID: 3116001). Invitae Evidence Modeling of protein sequence and biophysical properties (such as structural, functional, and spatial information, amino acid conservation, physicochemical variation, residue mobility, and thermodynamic stability) has been performed for this missense variant. However, the output from this modeling did not meet the statistical confidence thresholds required to predict the impact of this variant on KMT2B protein function. In summary, the available evidence is currently insufficient to determine the role of this variant in disease. Therefore, it has been classified as a Variant of Uncertain Significance.

Ambry Genetics
Classification: Uncertain significance for Inborn genetic diseases. Last evaluated: 2023-11-14. Review status: criteria provided, single submitter. Criteria: Ambry Variant Classification Scheme 2023. Collection method: clinical testing. Allele origin: germline.

NM_014727.3(KMT2B):c.7317C>G (p.Ile2439Met)

Gene: KMT2B (lysine methyltransferase 2B; plus strand). Cytogenetic location: 19q13.12.
Variant type: single nucleotide variant.
Coding change: c.7317C>G on transcript NM_014727.3 (MANE Select); coding-DNA position 7317, C replaced by G.
Protein change: p.Ile2439Met; replaces isoleucine 2439 with methionine.
Molecular consequence: missense variant.
Genome position (GRCh38, 1-based): chr19:35,736,931, C>G. VCF-style: chr19-35736931-C-G. GRCh37 (hg19) VCF-style: chr19-36227832-C-G.
Other names: short protein forms I2439M.
Identifiers: ClinVar variation 3116001 (VCV003116001.2), dbSNP rs376816294, ClinGen allele CA405435926.